The following is an entry in ClinVar:

ClinVar aggregate classification (germline): Uncertain significance (1 of 4 stars; one submission).

Conditions:
Familial adenomatous polyposis 1 (FAP1). Also called: POLYPOSIS, ADENOMATOUS INTESTINAL; FAMILIAL ADENOMATOUS POLYPOSIS 1, ATTENUATED. Identifiers: MedGen C2713442, MONDO:0021056, OMIM 175100. Disease mechanism: loss of function.

Submission:

Labcorp Genetics (formerly Invitae), Labcorp
Classification: Uncertain significance for Familial adenomatous polyposis 1. Last evaluated: 2020-02-20. Review status: criteria provided, single submitter. Criteria: Invitae Variant Classification Sherloc (09022015). Collection method: clinical testing. Allele origin: germline.
Comment: Experimental studies and prediction algorithms are not available for this variant, and the functional significance of this non-coding change is currently unknown. In summary, the available evidence is currently insufficient to determine the role of this variant in disease. Therefore, it has been classified as a Variant of Uncertain Significance. This variant has not been reported in the literature in individuals with APC-related conditions. The frequency data for this variant in the population databases is considered unreliable, as metrics indicate insufficient coverage at this position in the ExAC database. This variant occurs in a non-coding region of the APC gene. It does not change the encoded amino acid sequence of the APC protein.

NC_000005.10:g.112707407C>A

Gene: APC (APC regulator of Wnt signaling pathway; plus strand). Cytogenetic location: 5q22.2.
Variant type: single nucleotide variant.
Genome position: GRCh38 VCF-style: chr5-112707407-C-A. GRCh37 (hg19) VCF-style: chr5-112043104-C-A.
Identifiers: ClinVar variation 1052172 (VCV001052172.48), dbSNP rs960491839, ClinGen allele CA2499217373.